The following is an entry in ClinVar:

NM_000515.5(GH1):c.291+5G>A

Genes: GH1 (growth hormone 1; minus strand), GH-LCR (growth hormone locus control region; plus strand). Cytogenetic location: 17q23.3.
Variant type: single nucleotide variant.
Coding change: c.291+5G>A on transcript NM_000515.5 (MANE Select); 5 bases into the intron after coding-DNA position 291, G replaced by A.
Molecular consequence: intron variant.
Genome position (GRCh38, 1-based): chr17:63,918,012, C>T on the plus strand (G>A on the coding strand, the complement: GH1 is on the minus strand). VCF-style: chr17-63918012-C-T. GRCh37 (hg19) VCF-style: chr17-61995372-C-T.
Other names: IVS3DS, G-A, +5; c.172-88G>A (NM_022560.4); c.246+5G>A (NM_022559.4).
Identifiers: ClinVar variation 15975 (VCV000015975.3), dbSNP rs863223307, ClinGen allele CA278890.

ClinVar aggregate classification (germline): Pathogenic. Review status: criteria provided, multiple submitters, no conflicts (2 of 4 stars). 3 submissions from 3 submitters: Pathogenic (2). 1 of the submissions does not count toward it. Last evaluated 2025-08-05.

Conditions:
Idiopathic growth hormone deficiency (IGHD). Identifiers: MedGen C0342381.
Autosomal dominant isolated somatotropin deficiency (IGHD2). Also called: Idiopathic Growth Hormone Deficiency Type II; IGHD II. Identifiers: Orphanet 231679, Orphanet 631, MedGen C0271567, MONDO:0008250, OMIM 173100.

Submissions (3):

GeneDx
Classification: Pathogenic. Last evaluated: 2025-08-05. Review status: criteria provided, single submitter. Criteria: GeneDx Variant Classification Process June 2021. Collection method: clinical testing. Allele origin: germline. Affected: yes.
Comment: Published functional studies demonstrate that this variant alters GH pre-mRNA splicing and leads to loss of amino acids in exon 3 (PMID: 9385381); Not observed at significant frequency in large population cohorts (gnomAD); This variant is associated with the following publications: (PMID: 11836331, 25525159, 17178704, 24450934, 10549303, 32621723, 30266296, 9385381)

Women's Health and Genetics/Laboratory Corporation of America, LabCorp
Classification: Pathogenic for Idiopathic growth hormone deficiency. Last evaluated: 2024-07-31. Review status: criteria provided, single submitter. Criteria: LabCorp Variant Classification Summary - May 2015. Collection method: clinical testing. Allele origin: germline.
Comment: Variant summary: GH1 c.291+5G>A alters a conserved nucleotide located close to a canonical splice site and therefore could affect mRNA splicing, leading to a significantly altered protein sequence. Several computational tools predict a significant impact on normal splicing: Three predict the variant abolishes a 5' splicing donor site. Multiple publication reports experimental evidence that this variant affects mRNA splicing, resulting in exon 3 skipping, confirmed in vivo and in vitro evidenced by shortened mRNA transcript length and cDNA sequencing products with absent exon 3 (e.g. Missarelli_HumGen_1997, Moseley_2002). The variant was absent in 251464 control chromosomes. c.291+5G>A has been reported in the literature in multiple heterozygous individuals affected with Autosomal Dominant Idiopathic Growth Hormone Deficiency, additionally showing segregation with disease in multiple families (e.g. Missarelli_HumGen_1997, Moseley_2002). These data indicate that the variant is very likely to be associated with disease. The following publications have been ascertained in the context of this evaluation (PMID: 9385381, 11836331). ClinVar contains an entry for this variant (Variation ID: 15975). Based on the evidence outlined above, the variant was classified as pathogenic.

OMIM
Classification: Pathogenic for ISOLATED GROWTH HORMONE DEFICIENCY, TYPE II. Last evaluated: 1999-09-01. Review status: no assertion criteria provided. Collection method: literature only. Allele origin: germline. Not counted in ClinVar's aggregate classification.

Literature cited by the submitters: PubMed 11836331 (cited by Women's Health and Genetics/Laboratory Corporation of America, LabCorp); PubMed 9385381 (cited by Women's Health and Genetics/Laboratory Corporation of America, LabCorp); PubMed 10469016 (cited by OMIM); PubMed 10372722 (cited by OMIM).